The following is an entry in ClinVar:

ClinVar aggregate classification (germline): Pathogenic/Likely pathogenic. Review status: criteria provided, multiple submitters, no conflicts (2 of 4 stars). 3 submissions from 3 submitters: Pathogenic (2); Likely pathogenic (1). Last evaluated 2024-05-13.

Conditions:
Cystic fibrosis (CF). Also called: MUCOVISCIDOSIS. Identifiers: Orphanet 586, MedGen C0010674, MONDO:0009061, OMIM 219700. Disease mechanism: loss of function.
CFTR-related disorder (CFTR-RD). Also called: CFTR-related disorders; CFTR-related condition. Identifiers: MedGen C5924204, MONDO:7770004.

Submissions (3):

Natera, Inc.
Classification: Pathogenic for CFTR-related disorders. Last evaluated: 2024-05-13. Review status: criteria provided, single submitter. Criteria: Natera Variant Classification Schema (03/2026). Collection method: clinical testing. Allele origin: germline.
Comment: The c.1347_1350delAAGA variant in CFTR is a frameshift variant predicted to shift the reading frame beginning at codon 450 and leads to a stop codon 18 codons downstream. This variant is expected to result in nonsense mediated decay, truncation, or a dysfunctional protein product. This variant is rare in the general population with a frequency below the threshold expected for the associated phenotype(s). This variant has been observed in one or more individuals affected with the associated recessive disease, as either homozygous or compound heterozygous with a second variant (PMID: 35858753). Given the available evidence, this variant is classified as Pathogenic.

Labcorp Genetics (formerly Invitae), Labcorp
Classification: Pathogenic for Cystic fibrosis. Last evaluated: 2022-06-13. Review status: criteria provided, single submitter. Criteria: Invitae Variant Classification Sherloc (09022015). Collection method: clinical testing. Allele origin: germline.
Comment: For these reasons, this variant has been classified as Pathogenic. ClinVar contains an entry for this variant (Variation ID: 619830). This variant has not been reported in the literature in individuals affected with CFTR-related conditions. This variant is not present in population databases (gnomAD no frequency). This sequence change creates a premature translational stop signal (p.Arg450Aspfs*18) in the CFTR gene. It is expected to result in an absent or disrupted protein product. Loss-of-function variants in CFTR are known to be pathogenic (PMID: 1695717, 7691345, 9725922).

Quest Diagnostics Nichols Institute San Juan Capistrano
Classification: Likely pathogenic. Last evaluated: 2018-04-30. Review status: criteria provided, single submitter. Criteria: Quest Diagnostics criteria. Collection method: clinical testing. Allele origin: germline.

Literature cited by the submitters: PubMed 35858753 (cited by Natera, Inc.); PubMed 1695717 (cited by Labcorp Genetics (formerly Invitae), Labcorp); PubMed 7691345 (cited by Labcorp Genetics (formerly Invitae), Labcorp); PubMed 9725922 (cited by Labcorp Genetics (formerly Invitae), Labcorp).

NM_000492.4(CFTR):c.1347_1350del (p.Arg450fs)

Genes: CFTR (CF transmembrane conductance regulator; plus strand), CFTR-AS1 (CFTR antisense RNA 1; minus strand). Cytogenetic location: 7q31.2.
Variant type: Deletion.
Coding change: c.1347_1350del on transcript NM_000492.4 (MANE Select); coding-DNA positions 1347 to 1350, 4 bases deleted (AAGA; older notation c.1347_1350delAAGA).
Protein change: p.Arg450fs; shifts the reading frame from arginine 450.
Molecular consequence: frameshift variant.
Genome position (GRCh38, 1-based): chr7:117,548,778-117,548,781, AAGA deleted; deleting any 4 consecutive bases within chr7:117,548,775-117,548,781 gives the same sequence; the c. name uses the placement nearest the transcript's 3' end. VCF-style (leftmost placement, unchanged base first): chr7-117548774-TAGAA-T. GRCh37 (hg19) VCF-style: chr7-117188828-TAGAA-T.
Other names: c.1347_1350delAAGA (NM_000492.3); short protein forms R450fs.
Identifiers: ClinVar variation 619830 (VCV000619830.7), dbSNP rs1562895104, ClinGen allele CA913189998.